The following is an entry in ClinVar:

NM_001370466.1(NOD2):c.817G>T (p.Glu273Ter)

Gene: NOD2 (nucleotide binding oligomerization domain containing 2; plus strand). Cytogenetic location: 16q12.1.
Variant type: single nucleotide variant.
Coding change: c.817G>T on transcript NM_001370466.1 (MANE Select); coding-DNA position 817, G replaced by T.
Protein change: p.Glu273Ter; replaces glutamic acid 273 with a stop codon.
Molecular consequence: nonsense. On other transcripts: non-coding transcript variant (1).
Genome position (GRCh38, 1-based): chr16:50,710,809, G>T. VCF-style: chr16-50710809-G-T. GRCh37 (hg19) VCF-style: chr16-50744720-G-T.
Other names: c.817G>T, p.Glu273Ter (NM_001293557.2); c.898G>T, p.Glu300Ter (NM_022162.3); short protein forms E273*, E300*.
Identifiers: ClinVar variation 2935987 (VCV002935987.4), dbSNP rs1164632643, ClinGen allele CA395867796.

ClinVar aggregate classification (germline): Uncertain significance. Review status: criteria provided, multiple submitters, no conflicts (2 of 4 stars). 2 submissions from 2 submitters: Uncertain significance (2). Last evaluated 2026-09-01.

Conditions:
Regional enteritis. Also called: Enteritis, Granulomatous. Identifiers: MedGen C0678202, MeSH D003424.
Blau syndrome (BLAUS). Also called: ARTHROCUTANEOUVEAL GRANULOMATOSIS; GRANULOMATOSIS, FAMILIAL JUVENILE SYSTEMIC; GRANULOMATOSIS, FAMILIAL, BLAU TYPE; GRANULOMATOUS INFLAMMATORY ARTHRITIS, DERMATITIS, AND UVEITIS, FAMILIAL; JABS SYNDROME. Identifiers: Orphanet 90340, MedGen C5201146, MONDO:0008523, OMIM 186580.

Submissions (2):

CeGaT Center for Human Genetics Tuebingen
Classification: Uncertain significance. Last evaluated: 2026-09-01. Review status: criteria provided, single submitter. Criteria: CeGaT Center For Human Genetics Tuebingen Variant Classification Criteria Version 2. Collection method: clinical testing. Allele origin: germline. Affected: yes. Observed: 1 variant allele.
Comment: NOD2: PM2, PVS1:Moderate

Labcorp Genetics (formerly Invitae), Labcorp
Classification: Uncertain significance for Regional enteritis; Blau syndrome. Last evaluated: 2023-03-02. Review status: criteria provided, single submitter. Criteria: Invitae Variant Classification Sherloc (09022015). Collection method: clinical testing. Allele origin: germline.
Comment: In summary, the available evidence is currently insufficient to determine the role of this variant in disease. Therefore, it has been classified as a Variant of Uncertain Significance. This variant has not been reported in the literature in individuals affected with NOD2-related conditions. This variant is present in population databases (no rsID available, gnomAD 0.003%). This sequence change creates a premature translational stop signal (p.Glu300*) in the NOD2 gene. It is expected to result in an absent or disrupted protein product. However, the current clinical and genetic evidence is not sufficient to establish whether loss-of-function variants in NOD2 cause disease.